The following is an entry in ClinVar:

NM_153033.5(KCTD7):c.541C>T (p.Arg181Trp)

Gene: KCTD7 (potassium channel tetramerization domain containing 7; plus strand). Cytogenetic location: 7q11.21.
Variant type: single nucleotide variant.
Coding change: c.541C>T on transcript NM_153033.5 (MANE Select); coding-DNA position 541, C replaced by T.
Protein change: p.Arg181Trp; replaces arginine 181 with tryptophan.
Molecular consequence: missense variant.
Genome position (GRCh38, 1-based): chr7:66,638,903, C>T. VCF-style: chr7-66638903-C-T. GRCh37 (hg19) VCF-style: chr7-66103890-C-T.
Other names: p.Arg181Trp; c.541C>T, p.Arg181Trp (NM_001167961.2); short protein forms R181W.
Identifiers: ClinVar variation 1188828 (VCV001188828.5), dbSNP rs750770298, ClinGen allele CA4278291.
Genomic context (GRCh38, chr7:66,638,903, plus strand): 5'-TTCATCCTTATAGACCACTTGGAGCGGATTGTGGAGATCGCCCGGCTGCGTGCGGTCCAG[C>T]GGAAGGCCCGCTTTGCCAAGCTCAAGGTCTGTGTCTTCAAGGAGGAGATGCCCATCACCC-3'
Protein context (NP_694578.1, residues 171-191): VEIARLRAVQ[Arg181Trp]KARFAKLKVC

ClinVar aggregate classification (germline): Uncertain significance. Review status: criteria provided, multiple submitters, no conflicts (2 of 4 stars). 4 submissions from 4 submitters: Uncertain significance (3). 1 of the submissions does not count toward it. Last evaluated 2025-10-15.

Conditions:
Progressive myoclonic epilepsy type 3. Also called: KCTD7-Related Progressive Myoclonic Epilepsy; EPILEPSY, PROGRESSIVE MYOCLONIC, 3, WITH OR WITHOUT INTRACELLULAR INCLUSIONS; CEROID LIPOFUSCINOSIS, NEURONAL, 14; EPILEPSY, PROGRESSIVE MYOCLONIC, 3, WITHOUT INTRACELLULAR INCLUSIONS. Identifiers: Orphanet 263516, MedGen C2673257, MONDO:0012721, OMIM 611726.

Allele frequency attached by ClinVar (database versions not stated): gnomAD exomes below 0.00001; TOPMed below 0.00001; ExAC 0.00001; gnomAD 0.00001.
gnomAD v4.1: 7 of 1,613,918 alleles (0.00043%); highest among the groups gnomAD compares: African/African-American, 0.0013%; no homozygotes.

Submissions (4):

Mayo Clinic Laboratories, Mayo Clinic
Classification: Uncertain significance. Last evaluated: 2025-10-15. Review status: criteria provided, single submitter. Criteria: ACMG Guidelines, 2015. Collection method: clinical testing. Allele origin: germline. Observed: 1 variant allele.
Comment: PM2_supporting, PS3_supporting

Women's Health and Genetics/Laboratory Corporation of America, LabCorp
Classification: Uncertain significance. Last evaluated: 2024-08-08. Review status: criteria provided, single submitter. Criteria: LabCorp Variant Classification Summary - May 2015. Collection method: clinical testing. Allele origin: germline.
Comment: Variant summary: KCTD7 c.541C>T (p.Arg181Trp) results in a non-conservative amino acid change in the encoded protein sequence. Three of five in-silico tools predict a damaging effect of the variant on protein function. The variant was absent in 251326 control chromosomes. c.541C>T has been reported in the literature in the compound heterozygous state in an individual affected with progressive myoclonic epilepsy (Metz_2018, Yoganathan_2024). These report(s) do not provide unequivocal conclusions about association of the variant with disease. At least one publication reports experimental evidence evaluating an impact on protein function (Wang_2022). The variant showed reduced KCTD7-mediated degradation and ubiquitination of CLN5 compared to the WT protein and showed reduced CLN5-binding ability. The following publications have been ascertained in the context of this evaluation (PMID: 30295347, 35921411, 38231304). ClinVar contains an entry for this variant (Variation ID: 1188828). Based on the evidence outlined above, the variant was classified as VUS-possibly pathogenic.

GeneDx
Classification: Uncertain significance. Last evaluated: 2020-10-05. Review status: criteria provided, single submitter. Criteria: GeneDx Variant Classification Process June 2021. Collection method: clinical testing. Allele origin: germline. Affected: yes.
Comment: Reported previously in a patient with ataxia, intractable epilepsy, GERD, swallowing difficulty, and hand tremors who had a second KCTD7 variant identified on the opposite allele (in trans) (Metz et al., 2018); In silico analysis supports that this missense variant does not alter protein structure/function; Not observed in large population cohorts (Lek et al., 2016); This variant is associated with the following publications: (PMID: 30295347)

Gene Discovery Core-Manton Center, Boston Children's Hospital
Classification: Likely pathogenic for Progressive myoclonic epilepsy type 3. Last evaluated: 2020-02-14. Review status: no assertion criteria provided. Collection method: research. Allele origin: germline. Affected: yes. Not counted in ClinVar's aggregate classification.
Comment: This variant is interpretted as likely pathogenic for Epilepsy, progressive myoclonic 3, with or without intracellular inclusions; Autsomal Recessive. PM2 - Absent from controls (or at extremely low frequency if recessive) in Exome Sequencing Project, 1000 Genomes Project, or Exome Aggregation Consortium. PP2 - Missense variant in a gene that has a low rate of benign missense variation and in which missense variants are a common mechanism of disease (PMID: 30295347). PP3 - Multiple lines of computational evidence support a deleterious effect on the gene or gene product.

Literature cited by the submitters: PubMed 30295347 (cited by Mayo Clinic Laboratories, Mayo Clinic and Women's Health and Genetics/Laboratory Corporation of America, LabCorp); PubMed 35921411 (cited by Mayo Clinic Laboratories, Mayo Clinic and Women's Health and Genetics/Laboratory Corporation of America, LabCorp); PubMed 38231304 (cited by Mayo Clinic Laboratories, Mayo Clinic and Women's Health and Genetics/Laboratory Corporation of America, LabCorp).